The following is an entry in ClinVar:

ClinVar aggregate classification (germline): Likely benign. Review status: criteria provided, multiple submitters, no conflicts (2 of 4 stars). 3 submissions from 3 submitters: Likely benign (2). 1 of the submissions does not count toward it. Last evaluated 2024-12-03.

Conditions:
ACAD8-related disorder. Also called: ACAD8-related condition.
Deficiency of isobutyryl-CoA dehydrogenase. Also called: ACAD8 DEFICIENCY; ACYL-CoA DEHYDROGENASE FAMILY, MEMBER 8, DEFICIENCY OF; IBD DEFICIENCY. Identifiers: Orphanet 79159, MedGen C1969809, MONDO:0012648, OMIM 611283.

Allele frequency attached by ClinVar (database versions not stated): gnomAD 0.00010; TOPMed 0.00011.
gnomAD v4.1: 193 of 1,613,936 alleles (0.012%); highest among the groups gnomAD compares: Non-Finnish European, 0.014%; no homozygotes.

Submissions (3):

Labcorp Genetics (formerly Invitae), Labcorp
Classification: Likely benign for Deficiency of isobutyryl-CoA dehydrogenase. Last evaluated: 2024-12-03. Review status: criteria provided, single submitter. Criteria: Invitae Variant Classification Sherloc (09022015). Collection method: clinical testing. Allele origin: germline.

Blueprint Genetics
Classification: Likely benign. Last evaluated: 2024-09-05. Review status: criteria provided, single submitter. Criteria: ACMG Guidelines, 2015. Collection method: clinical testing. Allele origin: germline.

PreventionGenetics, part of Exact Sciences
Classification: Likely benign for ACAD8-related condition. Last evaluated: 2021-10-28. Review status: no assertion criteria provided. Collection method: clinical testing. Allele origin: germline. Not counted in ClinVar's aggregate classification.
Comment: This variant is classified as likely benign based on ACMG/AMP sequence variant interpretation guidelines (Richards et al. 2015 PMID: 25741868, with internal and published modifications).

NM_014384.3(ACAD8):c.444G>T (p.Pro148=)

Gene: ACAD8 (acyl-CoA dehydrogenase family member 8; plus strand). Cytogenetic location: 11q25.
Variant type: single nucleotide variant.
Coding change: c.444G>T on transcript NM_014384.3 (MANE Select); coding-DNA position 444, G replaced by T.
Protein change: p.Pro148=; no amino-acid change (proline 148 retained).
Molecular consequence: synonymous variant.
Genome position (GRCh38, 1-based): chr11:134,258,578, G>T. VCF-style: chr11-134258578-G-T. GRCh37 (hg19) VCF-style: chr11-134128472-G-T.
Identifiers: ClinVar variation 705434 (VCV000705434.13), dbSNP rs572820646, ClinGen allele CA6372946.